The following is an entry in ClinVar:

NM_000059.4(BRCA2):c.6320_6322del (p.Pro2107del)

Gene: BRCA2 (BRCA2 DNA repair associated; plus strand). Cytogenetic location: 13q13.1.
Variant type: Deletion.
Coding change: c.6320_6322del on transcript NM_000059.4 (MANE Select); coding-DNA positions 6320 to 6322, 3 bases deleted (CTC; older notation c.6320_6322delCTC).
Protein change: p.Pro2107del; deletes proline 2107.
Molecular consequence: inframe deletion. On other transcripts: inframe indel (2).
Genome position (GRCh38, 1-based): chr13:32,340,675-32,340,677, CTC deleted; deleting any 3 consecutive bases within chr13:32,340,673-32,340,677 gives the same sequence; the c. name uses the placement nearest the transcript's 3' end. VCF-style (leftmost placement, unchanged base first): chr13-32340672-TTCC-T. GRCh37 (hg19) VCF-style: chr13-32914809-TTCC-T.
Other names: c.6320_6322delCTC, p.Pro2107del (NM_001406719.1, NM_001406720.1); short protein forms P2107del.
Identifiers: ClinVar variation 1974118 (VCV001974118.5), dbSNP rs1566234321, ClinGen allele CA919242681.

ClinVar aggregate classification (germline): Uncertain significance (1 of 4 stars; one submission).

Conditions:
Hereditary breast ovarian cancer syndrome. Also called: Hereditary breast and/or ovarian cancer syndrome; Hereditary breast and ovarian cancer syndrome; Hereditary breast and ovarian cancer syndrome (HBOC); Breast and ovarian cancer; Hereditary breast and ovarian cancer; BRCA1- and BRCA2-Associated Hereditary Breast and Ovarian Cancer. Identifiers: Orphanet 145, MedGen C0677776, MeSH D061325, MONDO:0003582. Disease mechanism: loss of function.

Submission:

Labcorp Genetics (formerly Invitae), Labcorp
Classification: Uncertain significance for Hereditary breast ovarian cancer syndrome. Last evaluated: 2025-11-03. Review status: criteria provided, single submitter. Criteria: Invitae Variant Classification Sherloc (09022015). Collection method: clinical testing. Allele origin: germline.
Comment: This variant, c.6320_6322del, results in the deletion of 1 amino acid(s) of the BRCA2 protein (p.Pro2107del), but otherwise preserves the integrity of the reading frame. This variant is not present in population databases (gnomAD no frequency). This variant has not been reported in the literature in individuals affected with BRCA2-related conditions. ClinVar contains an entry for this variant (Variation ID: 1974118). Experimental studies and prediction algorithms are not available or were not evaluated, and the functional significance of this variant is currently unknown. In summary, the available evidence is currently insufficient to determine the role of this variant in disease. Therefore, it has been classified as a Variant of Uncertain Significance.